The following is an entry in ClinVar:

ClinVar aggregate classification (germline): Uncertain significance (1 of 4 stars; one submission).

Conditions:
Congenital myasthenic syndrome 4A. Also called: CONGENITAL MYASTHENIC SYNDROME TYPE Ia1; Myasthenic syndrome, congenital, 4a, slow-channel; MYASTHENIC SYNDROME, CONGENITAL, 4A, SLOW-CHANNEL, AUTOSOMAL RECESSIVE. Identifiers: Orphanet 590, MedGen C4225413, MONDO:0011600, OMIM 605809.

Submission:

Labcorp Genetics (formerly Invitae), Labcorp
Classification: Uncertain significance for Congenital myasthenic syndrome 4A. Last evaluated: 2023-02-18. Review status: criteria provided, single submitter. Criteria: Invitae Variant Classification Sherloc (09022015). Collection method: clinical testing. Allele origin: germline.
Comment: This sequence change replaces glutamine, which is neutral and polar, with leucine, which is neutral and non-polar, at codon 437 of the CHRNE protein (p.Gln437Leu). This variant is not present in population databases (gnomAD no frequency). This variant has not been reported in the literature in individuals affected with CHRNE-related conditions. Advanced modeling of protein sequence and biophysical properties (such as structural, functional, and spatial information, amino acid conservation, physicochemical variation, residue mobility, and thermodynamic stability) has been performed at Invitae for this missense variant, however the output from this modeling did not meet the statistical confidence thresholds required to predict the impact of this variant on CHRNE protein function. In summary, the available evidence is currently insufficient to determine the role of this variant in disease. Therefore, it has been classified as a Variant of Uncertain Significance.

NM_000080.4(CHRNE):c.1310A>T (p.Gln437Leu)

Gene: CHRNE (cholinergic receptor nicotinic epsilon subunit; minus strand). Cytogenetic location: 17p13.2.
Variant type: single nucleotide variant.
Coding change: c.1310A>T on transcript NM_000080.4 (MANE Select); coding-DNA position 1310, A replaced by T.
Protein change: p.Gln437Leu; replaces glutamine 437 with leucine.
Molecular consequence: missense variant.
Genome position (GRCh38, 1-based): chr17:4,899,017, T>A on the plus strand (A>T on the coding strand, the complement: CHRNE is on the minus strand). VCF-style: chr17-4899017-T-A. GRCh37 (hg19) VCF-style: chr17-4802312-T-A.
Other names: short protein forms Q437L.
Identifiers: ClinVar variation 2874339 (VCV002874339.1), dbSNP rs1243723617, ClinGen allele CA397298178.